The following is an entry in ClinVar:

ClinVar aggregate classification (germline): Uncertain significance. Review status: criteria provided, multiple submitters, no conflicts (2 of 4 stars). 4 submissions from 4 submitters: Uncertain significance (4). Last evaluated 2024-09-17.

Conditions:
Inborn genetic diseases. Identifiers: MedGen C0950123, MeSH D030342.
Hyperphosphatasia with impaired intellectual development syndrome 1. Also called: Hyperphosphatasia with intellectual disability syndrome 1; MABRY SYNDROME; GLYCOSYLPHOSPHATIDYLINOSITOL BIOSYNTHESIS DEFECT 2. Identifiers: Orphanet 247262, MedGen C4551502, MONDO:0009398, OMIM 239300.

Allele frequency attached by ClinVar (database versions not stated): gnomAD exomes 0.00003 and 0.00002; ExAC 0.00002; gnomAD 0.00002; TOPMed 0.00002.
gnomAD v4.1: 53 of 1,614,078 alleles (0.0033%); highest among the groups gnomAD compares: Non-Finnish European, 0.0042%; no homozygotes.

Submissions (4):

Blueprint Genetics
Classification: Uncertain significance. Last evaluated: 2024-09-17. Review status: criteria provided, single submitter. Criteria: ACMG Guidelines, 2015. Collection method: clinical testing. Allele origin: germline.

GeneDx
Classification: Uncertain significance. Last evaluated: 2024-05-25. Review status: criteria provided, single submitter. Criteria: GeneDx Variant Classification Process June 2021. Collection method: clinical testing. Allele origin: germline. Affected: yes.
Comment: Not observed at significant frequency in large population cohorts (gnomAD); In silico analysis supports that this missense variant has a deleterious effect on protein structure/function; Has not been previously published as pathogenic or benign to our knowledge

Ambry Genetics
Classification: Uncertain significance for Inborn genetic diseases. Last evaluated: 2024-05-15. Review status: criteria provided, single submitter. Criteria: Ambry Variant Classification Scheme 2023. Collection method: clinical testing. Allele origin: germline.

Illumina Laboratory Services, Illumina
Classification: Uncertain significance for Hyperphosphatasia with impaired intellectual development syndrome 1. Last evaluated: 2018-01-13. Review status: criteria provided, single submitter. Criteria: ICSL Variant Classification Criteria 13 December 2019. Collection method: clinical testing. Allele origin: germline.

NM_017837.4(PIGV):c.223G>A (p.Ala75Thr)

Gene: PIGV (phosphatidylinositol glycan anchor biosynthesis class V; plus strand). Cytogenetic location: 1p36.11.
Variant type: single nucleotide variant.
Coding change: c.223G>A on transcript NM_017837.4 (MANE Select); coding-DNA position 223, G replaced by A.
Protein change: p.Ala75Thr; replaces alanine 75 with threonine.
Molecular consequence: missense variant. On other transcripts: 5 prime UTR variant (1), non-coding transcript variant (2), intron variant (3).
Genome position (GRCh38, 1-based): chr1:26,794,257, G>A. VCF-style: chr1-26794257-G-A. GRCh37 (hg19) VCF-style: chr1-27120748-G-A.
Other names: c.223G>A, p.Ala75Thr (NM_001202554.2, NM_001374478.1, NM_001374480.1 and 2 more transcripts); c.-159G>A (NM_001374483.1); c.172+51G>A (NM_001374484.1, NM_001374485.1); c.79-3306G>A (NM_001374486.1); short protein forms A75T.
Identifiers: ClinVar variation 873722 (VCV000873722.7), dbSNP rs760514806, ClinGen allele CA708020.